The following is an entry in ClinVar:

NM_001364905.1(LRBA):c.928C>T (p.Arg310Ter)

Gene: LRBA (LPS responsive beige-like anchor protein; minus strand). Cytogenetic location: 4q31.3.
Variant type: single nucleotide variant.
Coding change: c.928C>T on transcript NM_001364905.1 (MANE Select); coding-DNA position 928, C replaced by T.
Protein change: p.Arg310Ter; replaces arginine 310 with a stop codon.
Molecular consequence: nonsense.
Genome position (GRCh38, 1-based): chr4:150,915,694, G>A on the plus strand (C>T on the coding strand, the complement: LRBA is on the minus strand). VCF-style: chr4-150915694-G-A. GRCh37 (hg19) VCF-style: chr4-151836846-G-A.
Other names: c.928C>T, p.Arg310Ter (NM_001199282.3, NM_001367550.1, NM_006726.5); short protein forms R310*.
Identifiers: ClinVar variation 3001078 (VCV003001078.4), dbSNP rs1170974293, ClinGen allele CA358436012.

ClinVar aggregate classification (germline): Pathogenic/Likely pathogenic. Review status: criteria provided, multiple submitters, no conflicts (2 of 4 stars). 2 submissions from 2 submitters: Pathogenic (1); Likely pathogenic (1). Last evaluated 2025-05-05.

Conditions:
Combined immunodeficiency due to LRBA deficiency. Also called: Common variable immunodeficiency 8, with autoimmunity. Identifiers: Orphanet 445018, MedGen C3553512, MONDO:0013863, OMIM 614700.

Allele frequency attached by ClinVar (database versions not stated): gnomAD exomes below 0.00001; TOPMed 0.00001.
gnomAD v4.1: 5 of 1,612,120 alleles (0.00031%); highest among the groups gnomAD compares: East Asian, 0.0022%; no homozygotes.

Submissions (2):

Labcorp Genetics (formerly Invitae), Labcorp
Classification: Pathogenic for Combined immunodeficiency due to LRBA deficiency. Last evaluated: 2025-05-05. Review status: criteria provided, single submitter. Criteria: Invitae Variant Classification Sherloc (09022015). Collection method: clinical testing. Allele origin: germline.
Comment: This sequence change creates a premature translational stop signal (p.Arg310*) in the LRBA gene. It is expected to result in an absent or disrupted protein product. Loss-of-function variants in LRBA are known to be pathogenic (PMID: 26206937, 26768763). This variant is present in population databases (no rsID available, gnomAD 0.0009%). This variant has not been reported in the literature in individuals affected with LRBA-related conditions. ClinVar contains an entry for this variant (Variation ID: 3001078). For these reasons, this variant has been classified as Pathogenic.

Laboratory for Molecular Medicine, Mass General Brigham Personalized Medicine
Classification: Likely pathogenic for Combined immunodeficiency due to LRBA deficiency. Last evaluated: 2023-06-02. Review status: criteria provided, single submitter. Criteria: ACMG Guidelines, 2015. Collection method: clinical testing. Allele origin: germline. Inheritance: Autosomal recessive inheritance.
Comment: The p.Arg310X variant in LRBA has been reported 1 compound heterozygous individual with autoimmune lymphoproliferative syndrome (Yao 2022 PMID: 36074705). It was absent from large population studies. This nonsense variant leads to a premature termination codon at position 310, which is predicted to lead to a truncated or absent protein. Loss of function of the LRBA gene is an established disease mechanism in autosomal recessive combined immunodeficiency. In summary, although additional studies are required to fully establish its clinical significance, this variant meets criteria to be classified as likely pathogenic for autosomal recessive combined immunodeficiency due to LRBA deficiency. ACMG/AMP Criteria applied: PVS1, PM2_Supporting, PM3_Supporting.

Literature cited by the submitters: PubMed 26206937 (cited by Labcorp Genetics (formerly Invitae), Labcorp); PubMed 26768763 (cited by Labcorp Genetics (formerly Invitae), Labcorp); PubMed 36074705 (cited by Laboratory for Molecular Medicine, Mass General Brigham Personalized Medicine).